The following is an entry in ClinVar:

ClinVar aggregate classification (germline): Likely pathogenic. Review status: criteria provided, single submitter (1 of 4 stars). 3 submissions from 3 submitters: Likely pathogenic (1). 2 of the submissions do not count toward it. Last evaluated 2024-06-07.

Conditions:
Split hand-foot malformation 6. Also called: ECTRODACTYLY, AUTOSOMAL RECESSIVE. Identifiers: Orphanet 2440, MedGen C2749665, MONDO:0009157, OMIM 225300.

Submissions (3):

GeneDx
Classification: Likely pathogenic. Last evaluated: 2024-06-07. Review status: criteria provided, single submitter. Criteria: GeneDx Variant Classification Process June 2021. Collection method: clinical testing. Allele origin: germline. Affected: yes.
Comment: In-frame deletion of one amino acid in a non-repeat region; Not observed at significant frequency in large population cohorts (gnomAD); In silico analysis supports a deleterious effect on protein structure/function; This variant is associated with the following publications: (PMID: 31589614, 32021595, 29427788)

OMIM
Classification: Pathogenic for SPLIT-HAND/FOOT MALFORMATION 6. Last evaluated: 2019-10-07. Review status: no assertion criteria provided. Collection method: literature only. Allele origin: germline. Not counted in ClinVar's aggregate classification.

Center of Excellence in Medical Genetics Research, Chiang Mai University
Classification: Pathogenic for Split hand-foot malformation 6. Last evaluated: 2018-01-08. Review status: no assertion criteria provided. Collection method: research. Allele origin: germline. Inheritance: Autosomal recessive inheritance. Affected: yes. Observed: 1 homozygote. Not counted in ClinVar's aggregate classification.
Comment: This is a novel homozygous deletion mutation of Asn232 in Wnt10B. Sparse hair and interrupted eyebrows appear to be features associated with this form of SHFM6. The destabilization of the Wnt10B structure by deletion of a single amino acid residue from a critical position in the structure has apparently disrupted its role in Wnt signaling in hand and foot development. The disruption of a core structural element (Î±-helix) by the deletion of Asn232 is expected to greatly destabilize Wnt10B, which may lead to a decreased lifetime and inability to bind to its receptor and other ligands.

Literature cited by the submitters: PubMed 29427788 (cited by OMIM).

NM_003394.4(WNT10B):c.689ACA[2] (p.Asn232del)

Gene: WNT10B (Wnt family member 10B; minus strand). Cytogenetic location: 12q13.12.
Variant type: Microsatellite.
Coding change: c.689ACA[2] on transcript NM_003394.4 (MANE Select); two copies in a row of the 3-base unit ACA starting at c.689; the reference has three copies in a row; one copy, 3 bases deleted; also written c.695_697del.
Protein change: p.Asn232del; deletes asparagine 232.
Molecular consequence: inframe deletion.
Genome position (GRCh38, 1-based): chr12:48,967,960-48,967,962, TGT deleted on the plus strand (ACA on the coding strand, the reverse complement: WNT10B is on the minus strand); deleting any 3 consecutive bases within chr12:48,967,960-48,967,968 gives the same sequence; the position shown is the placement nearest the transcript's 3' end. VCF-style (leftmost placement, unchanged base first): chr12-48967959-CTGT-C. GRCh37 (hg19) VCF-style: chr12-49361742-CTGT-C.
Other names: c.695_697delACA (NM_003394.3); c.695_697del (NM_003394.3); short protein forms N232del.
Identifiers: ClinVar variation 599263 (VCV000599263.5), dbSNP rs776938956, ClinGen allele CA6544122.